The following is an entry in ClinVar:

ClinVar aggregate classification (germline): Pathogenic (1 of 4 stars; one submission).

Conditions:
X-linked Alport syndrome (ATS1). Also called: NEPHROPATHY AND DEAFNESS, X-LINKED; COL4A5-Related Nephropathy. Identifiers: Orphanet 63, Orphanet 88917, MedGen C4746986, MONDO:0010520, OMIM 301050.

Submission:

Myriad Genetics, Inc.
Classification: Pathogenic for X-linked Alport syndrome. Last evaluated: 2023-09-27. Review status: criteria provided, single submitter. Criteria: Myriad Autosomal Dominant, Autosomal Recessive and X-Linked Classification Criteria (2023). Collection method: clinical testing. Allele origin: unknown.
Comment: NM_000495.4(COL4A5):c.3170dupG(L1058Ifs*10) is expected to be pathogenic in the context of X-linked Alport syndrome. This variant is predicted to lead to an abnormal or absent protein product due to the creation of a premature termination codon in COL4A5, a gene where loss-of-function variants are known to be pathogenic. Please note: this variant was assessed in the context of healthy population screening.

NM_033380.3(COL4A5):c.3170dup (p.Leu1058fs)

Gene: COL4A5 (collagen type IV alpha 5 chain; plus strand). Cytogenetic location: Xq22.3.
Variant type: Duplication.
Coding change: c.3170dup on transcript NM_033380.3 (MANE Select); coding-DNA position 3170, one base duplicated (G; older notation c.3170dupG).
Protein change: p.Leu1058fs; shifts the reading frame from leucine 1058.
Molecular consequence: frameshift variant.
Genome position (GRCh38, 1-based): chrX:108,626,273, G duplicated; the last of 2 consecutive G bases (chrX:108,626,272-108,626,273); duplicating either gives the same sequence. VCF-style (leftmost placement, unchanged base first): chrX-108626271-A-AG. GRCh37 (hg19) VCF-style: chrX-107869501-A-AG.
Other names: c.3170dup, p.Leu1058fs (NM_000495.5); short protein forms L1058fs.
Identifiers: ClinVar variation 5011817 (VCV005011817.1).